The following is an entry in ClinVar:

ClinVar aggregate classification (germline): Uncertain significance. Review status: criteria provided, multiple submitters, no conflicts (2 of 4 stars). 2 submissions from 2 submitters: Uncertain significance (2). Last evaluated 2023-12-19.

Conditions:
Inborn genetic diseases. Identifiers: MedGen C0950123, MeSH D030342.

Allele frequency attached by ClinVar (database versions not stated): ExAC 0.00001; gnomAD exomes 0.00001; gnomAD 0.00002.
gnomAD v4.1: 21 of 1,613,426 alleles (0.0013%); highest among the groups gnomAD compares: South Asian, 0.0033%; no homozygotes.

Submissions (2):

Ambry Genetics
Classification: Uncertain significance for Inborn genetic diseases. Last evaluated: 2023-12-19. Review status: criteria provided, single submitter. Criteria: Ambry Variant Classification Scheme 2023. Collection method: clinical testing. Allele origin: germline.

Labcorp Genetics (formerly Invitae), Labcorp
Classification: Uncertain significance. Last evaluated: 2022-07-27. Review status: criteria provided, single submitter. Criteria: Invitae Variant Classification Sherloc (09022015). Collection method: clinical testing. Allele origin: germline.
Comment: In summary, the available evidence is currently insufficient to determine the role of this variant in disease. Therefore, it has been classified as a Variant of Uncertain Significance. Advanced modeling of protein sequence and biophysical properties (such as structural, functional, and spatial information, amino acid conservation, physicochemical variation, residue mobility, and thermodynamic stability) performed at Invitae indicates that this missense variant is expected to disrupt COL4A2 protein function. This variant has not been reported in the literature in individuals affected with COL4A2-related conditions. This variant is present in population databases (rs769994500, gnomAD 0.005%). This sequence change replaces arginine, which is basic and polar, with histidine, which is basic and polar, at codon 1651 of the COL4A2 protein (p.Arg1651His).

NM_001846.4(COL4A2):c.4952G>A (p.Arg1651His)

Gene: COL4A2 (collagen type IV alpha 2 chain; plus strand). Cytogenetic location: 13q34.
Variant type: single nucleotide variant.
Coding change: c.4952G>A on transcript NM_001846.4 (MANE Select); coding-DNA position 4952, G replaced by A.
Protein change: p.Arg1651His; replaces arginine 1651 with histidine.
Molecular consequence: missense variant.
Genome position (GRCh38, 1-based): chr13:110,512,004, G>A. VCF-style: chr13-110512004-G-A. GRCh37 (hg19) VCF-style: chr13-111164351-G-A.
Other names: c.4952G>A (NM_001846.2); short protein forms R1651H.
Identifiers: ClinVar variation 2071296 (VCV002071296.5), dbSNP rs769994500, ClinGen allele CA7050717.